The following is an entry in ClinVar:

ClinVar aggregate classification (germline): Uncertain significance (1 of 4 stars; one submission).

Submission:

GeneDx
Classification: Uncertain significance. Last evaluated: 2024-06-12. Review status: criteria provided, single submitter. Criteria: GeneDx Variant Classification Process June 2021. Collection method: clinical testing. Allele origin: germline. Affected: yes.
Comment: Not observed at significant frequency in large population cohorts (gnomAD); In silico analysis indicates that this missense variant does not alter protein structure/function; Has not been previously published as pathogenic or benign to our knowledge

NM_015322.5(FEM1B):c.65C>T (p.Ala22Val)

Gene: FEM1B (fem-1 homolog B; plus strand). Cytogenetic location: 15q23.
Variant type: single nucleotide variant.
Coding change: c.65C>T on transcript NM_015322.5 (MANE Select); coding-DNA position 65, C replaced by T.
Protein change: p.Ala22Val; replaces alanine 22 with valine.
Molecular consequence: missense variant.
Genome position (GRCh38, 1-based): chr15:68,278,482, C>T. VCF-style: chr15-68278482-C-T. GRCh37 (hg19) VCF-style: chr15-68570820-C-T.
Other names: short protein forms A22V.
Identifiers: ClinVar variation 3390479 (VCV003390479.1).